The following is an entry in ClinVar:

ClinVar aggregate classification (germline): Uncertain significance. Review status: criteria provided, single submitter (1 of 4 stars). 2 submissions from 2 submitters: Uncertain significance (1). 1 of the submissions does not count toward it. Last evaluated 2025-05-22.

Conditions:
Autoimmune interstitial lung disease-arthritis syndrome. Also called: Autoinflammation and autoimmunity, systemic, with immune dysregulation. Identifiers: Orphanet 444092, MedGen C5975714, MONDO:0014629.

Allele frequency attached by ClinVar (database versions not stated): gnomAD 0.00001; TOPMed 0.00001; ExAC 0.00002.
gnomAD v4.1: 20 of 1,598,388 alleles (0.0013%); highest among the groups gnomAD compares: Non-Finnish European, 0.0015%; no homozygotes.

Submissions (2):

Labcorp Genetics (formerly Invitae), Labcorp
Classification: Uncertain significance for Autoimmune interstitial lung disease-arthritis syndrome. Last evaluated: 2025-05-22. Review status: criteria provided, single submitter. Criteria: Invitae Variant Classification Sherloc (09022015). Collection method: clinical testing. Allele origin: germline.
Comment: This sequence change falls in intron 2 of the COPA gene. It does not directly change the encoded amino acid sequence of the COPA protein. It affects a nucleotide within the consensus splice site. This variant is present in population databases (rs763734496, gnomAD 0.002%). This variant has not been reported in the literature in individuals affected with COPA-related conditions. ClinVar contains an entry for this variant (Variation ID: 1676272). Variants that disrupt the consensus splice site are a relatively common cause of aberrant splicing (PMID: 17576681, 9536098). Algorithms developed to predict the effect of sequence changes on RNA splicing suggest that this variant may disrupt the consensus splice site. In summary, the available evidence is currently insufficient to determine the role of this variant in disease. Therefore, it has been classified as a Variant of Uncertain Significance.

Seattle Children's Hospital Molecular Genetics Laboratory, Seattle Children's Hospital
Classification: Uncertain significance for Autoimmune interstitial lung disease-arthritis syndrome. Review status: no assertion criteria provided. Collection method: clinical testing. Allele origin: germline. Affected: yes. Not counted in ClinVar's aggregate classification.

Literature cited by the submitters: PubMed 17576681 (cited by Labcorp Genetics (formerly Invitae), Labcorp); PubMed 9536098 (cited by Labcorp Genetics (formerly Invitae), Labcorp).

NM_004371.4(COPA):c.154+6A>G

Gene: COPA (coat protein complex I subunit alpha; minus strand). Cytogenetic location: 1q23.2.
Variant type: single nucleotide variant.
Coding change: c.154+6A>G on transcript NM_004371.4 (MANE Select); 6 bases into the intron after coding-DNA position 154, A replaced by G.
Molecular consequence: intron variant.
Genome position (GRCh38, 1-based): chr1:160,340,175, T>C on the plus strand (A>G on the coding strand, the complement: COPA is on the minus strand). VCF-style: chr1-160340175-T-C. GRCh37 (hg19) VCF-style: chr1-160309965-T-C.
Other names: c.154+6A>G (NM_001098398.2).
Identifiers: ClinVar variation 1676272 (VCV001676272.4), dbSNP rs763734496, ClinGen allele CA1198464.